The following is an entry in ClinVar:

ClinVar aggregate classification (germline): Uncertain significance. Review status: criteria provided, multiple submitters, no conflicts (2 of 4 stars). 2 submissions from 2 submitters: Uncertain significance (2). Last evaluated 2023-11-14.

Conditions:
Inborn genetic diseases. Identifiers: MedGen C0950123, MeSH D030342.

Allele frequency attached by ClinVar (database versions not stated): gnomAD exomes below 0.00001; TOPMed 0.00001.
gnomAD v4.1: 3 of 1,613,602 alleles (0.00019%); highest among the groups gnomAD compares: Non-Finnish European, 0.00017%; no homozygotes.

Submissions (2):

Ambry Genetics
Classification: Uncertain significance for Inborn genetic diseases. Last evaluated: 2023-11-14. Review status: criteria provided, single submitter. Criteria: Ambry Variant Classification Scheme 2023. Collection method: clinical testing. Allele origin: germline.

GeneDx
Classification: Uncertain significance. Last evaluated: 2014-06-17. Review status: criteria provided, single submitter. Criteria: GeneDx Variant Classification (06012015). Collection method: clinical testing. Allele origin: germline. Affected: yes.
Comment: p.Asp425Asn (GAC>AAC): c.1273 G>A in exon 8 of the CNTNAP2 gene (NM_014141.5). The D425N variant has not been published as a mutation, nor has it been reported as a benign polymorphism to our knowledge. It was not observed in approximately 6,500 individuals of European and African American ancestry in the NHLBI Exome Sequencing Project, indicating it is not a common benign variant in these populations. The D425N variant is a semi-conservative amino acid substitution, which may impact secondary protein structure as these residues differ in some properties. This substitution occurs at a position that is conserved in mammals, and a missense mutation in a nearby residue (L426I) has been reported. However, in silico analysis predicts this variant likely does not alter the protein structure/function. Therefore, based on the currently available information, it is unclear whether this variant is a pathogenic mutation or a rare benign variant. The variant is found in INFANT-EPI panel(s).

NM_014141.6(CNTNAP2):c.1273G>A (p.Asp425Asn)

Gene: CNTNAP2 (contactin associated protein 2; plus strand). Cytogenetic location: 7q35.
Variant type: single nucleotide variant.
Coding change: c.1273G>A on transcript NM_014141.6 (MANE Select); coding-DNA position 1273, G replaced by A.
Protein change: p.Asp425Asn; replaces aspartic acid 425 with asparagine.
Molecular consequence: missense variant.
Genome position (GRCh38, 1-based): chr7:147,132,434, G>A. VCF-style: chr7-147132434-G-A. GRCh37 (hg19) VCF-style: chr7-146829526-G-A.
Other names: short protein forms D425N.
Identifiers: ClinVar variation 205239 (VCV000205239.3), dbSNP rs796052373, ClinGen allele CA314112.